The following is an entry in ClinVar:

ClinVar aggregate classification (germline): Benign/Likely benign. Review status: criteria provided, multiple submitters, no conflicts (2 of 4 stars). 7 submissions from 7 submitters: Benign (3); Likely benign (4). Last evaluated 2026-01-22.

Conditions:
Primary immunodeficiency with natural-killer cell deficiency and adrenal insufficiency (IMD54). Also called: Natural killer cell and glucocorticoid deficiency with DNA repair defect; IMMUNODEFICIENCY 54. Identifiers: Orphanet 75391, MedGen C1864947, MONDO:0012383, OMIM 609981.

Allele frequency attached by ClinVar (database versions not stated): gnomAD exomes 0.00135 and 0.00212; ExAC 0.00225; ESP Exome Variant Server 0.00392; 1000 Genomes Project 0.00439; gnomAD 0.00466 and 0.00503; 1000 Genomes Project 30x 0.00484; TOPMed 0.00529.
gnomAD v4.1: 2,799 of 1,614,160 alleles (0.17%); highest among the groups gnomAD compares: Middle Eastern, 1.4%; 13 homozygotes.

Submissions (7):

Labcorp Genetics (formerly Invitae), Labcorp
Classification: Benign. Last evaluated: 2026-01-22. Review status: criteria provided, single submitter. Criteria: Invitae Variant Classification Sherloc (09022015). Collection method: clinical testing. Allele origin: germline.

CeGaT Center for Human Genetics Tuebingen
Classification: Likely benign. Last evaluated: 2025-04-01. Review status: criteria provided, single submitter. Criteria: CeGaT Center For Human Genetics Tuebingen Variant Classification Criteria Version 2. Collection method: clinical testing. Allele origin: germline. Affected: yes. Observed: 5 variant alleles.
Comment: MCM4: BP4, BP7, BS1

Blueprint Genetics
Classification: Likely benign. Last evaluated: 2024-11-25. Review status: criteria provided, single submitter. Criteria: ACMG Guidelines, 2015. Collection method: clinical testing. Allele origin: germline.

Illumina Laboratory Services, Illumina
Classification: Benign for Primary immunodeficiency with natural-killer cell deficiency and adrenal insufficiency. Last evaluated: 2018-01-13. Review status: criteria provided, single submitter. Criteria: ICSL Variant Classification Criteria 13 December 2019. Collection method: clinical testing. Allele origin: germline.
Comment: This variant was observed in the ICSL laboratory as part of a predisposition screen in an ostensibly healthy population. It had not been previously curated by ICSL or reported in the Human Gene Mutation Database (HGMD: prior to June 1st, 2018), and was therefore a candidate for classification through an automated scoring system. Utilizing variant allele frequency, disease prevalence and penetrance estimates, and inheritance mode, an automated score was calculated to assess if this variant is too frequent to cause the disease. Based on the score and internal cut-off values, a variant classified as benign is not then subjected to further curation. The score for this variant resulted in a classification of benign for this disease.

Genome Diagnostics Laboratory, University Medical Center Utrecht
Classification: Likely benign for Primary immunodeficiency with natural-killer cell deficiency and adrenal insufficiency. Last evaluated: 2017-11-07. Review status: criteria provided, single submitter. Criteria: ACGS Guidelines, 2013. Collection method: clinical testing. Allele origin: germline. Affected: yes. Study: VKGL Data-share Consensus.

Clinical Genetics DNA and cytogenetics Diagnostics Lab, Erasmus MC, Erasmus Medical Center
Classification: Benign for Primary immunodeficiency with natural-killer cell deficiency and adrenal insufficiency. Last evaluated: 2017-06-28. Review status: criteria provided, single submitter. Criteria: ACGS Guidelines, 2013. Collection method: clinical testing. Allele origin: germline. Affected: yes. Study: VKGL Data-share Consensus.

Breakthrough Genomics
Classification: Likely benign. Review status: criteria provided, single submitter. Criteria: ACMG Guidelines, 2015. Collection method: not provided. Allele origin: germline. Inheritance: Autosomal recessive inheritance. Affected: yes.

NM_182746.3(MCM4):c.2064G>A (p.Lys688=)

Gene: MCM4 (minichromosome maintenance complex component 4; plus strand). Cytogenetic location: 8q11.21.
Variant type: single nucleotide variant.
Coding change: c.2064G>A on transcript NM_182746.3 (MANE Select); coding-DNA position 2064, G replaced by A.
Protein change: p.Lys688=; no amino-acid change (lysine 688 retained).
Molecular consequence: synonymous variant.
Genome position (GRCh38, 1-based): chr8:47,972,992, G>A. VCF-style: chr8-47972992-G-A. GRCh37 (hg19) VCF-style: chr8-48885552-G-A.
Other names: c.2064G>A, p.Lys688= (NM_005914.4, LRG_1239t1).
Identifiers: ClinVar variation 522231 (VCV000522231.45), dbSNP rs143488457, ClinGen allele CA4742787.